The following is an entry in ClinVar:

ClinVar aggregate classification (germline): Uncertain significance (1 of 4 stars; one submission).

Submission:

Ambry Genetics
Classification: Uncertain significance. Last evaluated: 2024-03-13. Review status: criteria provided, single submitter. Criteria: Ambry Variant Classification Scheme 2023. Collection method: clinical testing. Allele origin: germline.
Comment: The p.L221M variant (also known as c.661C>A), located in coding exon 6 of the NQO1 gene, results from a C to A substitution at nucleotide position 661. The leucine at codon 221 is replaced by methionine, an amino acid with highly similar properties. This amino acid position is conserved. In addition, this alteration is predicted to be tolerated by in silico analysis. Based on the available evidence, the clinical significance of this alteration remains unclear.

NM_000903.3(NQO1):c.661C>A (p.Leu221Met)

Gene: NQO1 (NAD(P)H quinone dehydrogenase 1; minus strand). Cytogenetic location: 16q22.1.
Variant type: single nucleotide variant.
Coding change: c.661C>A on transcript NM_000903.3 (MANE Select); coding-DNA position 661, C replaced by A.
Protein change: p.Leu221Met; replaces leucine 221 with methionine.
Molecular consequence: missense variant.
Genome position (GRCh38, 1-based): chr16:69,711,140, G>T on the plus strand (C>A on the coding strand, the complement: NQO1 is on the minus strand). VCF-style: chr16-69711140-G-T. GRCh37 (hg19) VCF-style: chr16-69745043-G-T.
Other names: c.559C>A, p.Leu187Met (NM_001025433.2); c.547C>A, p.Leu183Met (NM_001025434.2); c.445C>A, p.Leu149Met (NM_001286137.2); short protein forms L149M, L183M, L187M, L221M.
Identifiers: ClinVar variation 3232319 (VCV003232319.1), dbSNP rs2151741611, ClinGen allele CA396487657.